The following is an entry in ClinVar:

ClinVar aggregate classification (germline): Uncertain significance (1 of 4 stars; one submission).

Conditions:
Atrial fibrillation, familial, 18 (ATFB18). Identifiers: MedGen C4310636, MONDO:0015001, OMIM 617280.

gnomAD v4.1: 2 of 1,614,214 alleles (0.00012%); highest among the groups gnomAD compares: African/African-American, 0.0013%; no homozygotes.

Submission:

Labcorp Genetics (formerly Invitae), Labcorp
Classification: Uncertain significance for Atrial fibrillation, familial, 18. Last evaluated: 2023-05-16. Review status: criteria provided, single submitter. Criteria: Invitae Variant Classification Sherloc (09022015). Collection method: clinical testing. Allele origin: germline.
Comment: In summary, the available evidence is currently insufficient to determine the role of this variant in disease. Therefore, it has been classified as a Variant of Uncertain Significance. An algorithm developed to predict the effect of missense changes on protein structure and function (PolyPhen-2) suggests that this variant is likely to be disruptive. This variant has not been reported in the literature in individuals affected with MYL4-related conditions. This variant is not present in population databases (gnomAD no frequency). This sequence change replaces alanine, which is neutral and non-polar, with serine, which is neutral and polar, at codon 59 of the MYL4 protein (p.Ala59Ser).

NM_002476.2(MYL4):c.175G>T (p.Ala59Ser)

Gene: MYL4 (myosin light chain 4; plus strand). Cytogenetic location: 17q21.32.
Variant type: single nucleotide variant.
Coding change: c.175G>T on transcript NM_002476.2 (MANE Select); coding-DNA position 175, G replaced by T.
Protein change: p.Ala59Ser; replaces alanine 59 with serine.
Molecular consequence: missense variant.
Genome position (GRCh38, 1-based): chr17:47,219,915, G>T. VCF-style: chr17-47219915-G-T. GRCh37 (hg19) VCF-style: chr17-45297281-G-T.
Other names: c.175G>T, p.Ala59Ser (NM_001002841.2); short protein forms A59S.
Identifiers: ClinVar variation 2842835 (VCV002842835.3), dbSNP rs1362110554, ClinGen allele CA400020778.